The following is an entry in ClinVar:

ClinVar aggregate classification (germline): Uncertain significance (1 of 4 stars; one submission).

Allele frequency attached by ClinVar (database versions not stated): TOPMed below 0.00001.

Submission:

Labcorp Genetics (formerly Invitae), Labcorp
Classification: Uncertain significance. Last evaluated: 2023-04-20. Review status: criteria provided, single submitter. Criteria: Invitae Variant Classification Sherloc (09022015). Collection method: clinical testing. Allele origin: germline.
Comment: Advanced modeling of protein sequence and biophysical properties (such as structural, functional, and spatial information, amino acid conservation, physicochemical variation, residue mobility, and thermodynamic stability) performed at Invitae indicates that this missense variant is not expected to disrupt POLA1 protein function. In summary, the available evidence is currently insufficient to determine the role of this variant in disease. Therefore, it has been classified as a Variant of Uncertain Significance. This variant has not been reported in the literature in individuals affected with POLA1-related conditions. This variant is not present in population databases (gnomAD no frequency). This sequence change replaces leucine, which is neutral and non-polar, with valine, which is neutral and non-polar, at codon 158 of the POLA1 protein (p.Leu158Val).

NM_001330360.2(POLA1):c.490C>G (p.Leu164Val)

Gene: POLA1 (DNA polymerase alpha 1, catalytic subunit; plus strand). Cytogenetic location: Xp22.11.
Variant type: single nucleotide variant.
Coding change: c.490C>G on transcript NM_001330360.2 (MANE Select); coding-DNA position 490, C replaced by G.
Protein change: p.Leu164Val; replaces leucine 164 with valine.
Molecular consequence: missense variant. On other transcripts: non-coding transcript variant (2).
Genome position (GRCh38, 1-based): chrX:24,715,168, C>G. VCF-style: chrX-24715168-C-G. GRCh37 (hg19) VCF-style: chrX-24733285-C-G.
Other names: c.490C>G, p.Leu164Val (NM_001378303.1); c.472C>G, p.Leu158Val (NM_016937.4); short protein forms L158V, L164V.
Identifiers: ClinVar variation 2857748 (VCV002857748.3), dbSNP rs199741223, ClinGen allele CA326893817.